The following is an entry in ClinVar:

NM_000399.5(EGR2):c.1257C>T (p.Ile419=)

Gene: EGR2 (early growth response 2; minus strand). Cytogenetic location: 10q21.3.
Variant type: single nucleotide variant.
Coding change: c.1257C>T on transcript NM_000399.5 (MANE Select); coding-DNA position 1257, C replaced by T.
Protein change: p.Ile419=; no amino-acid change (isoleucine 419 retained).
Molecular consequence: synonymous variant.
Genome position (GRCh38, 1-based): chr10:62,813,381, G>A on the plus strand (C>T on the coding strand, the complement: EGR2 is on the minus strand). VCF-style: chr10-62813381-G-A. GRCh37 (hg19) VCF-style: chr10-64573141-G-A.
Other names: c.1257C>T, p.Ile419= (NM_001136177.3, NM_001136178.2); c.1107C>T, p.Ile369= (NM_001136179.3, NM_001321037.2); c.1296C>T, p.Ile432= (NM_001410931.1).
Identifiers: ClinVar variation 4986047 (VCV004986047.1).
Genomic context (GRCh38, chr10:62,813,381, plus strand): 5'-AGAGGGGGCTGGCACCGATGCAGAGGGGGCACTGCTTTTCCGCTCTTTCTGTCTCAGGTG[G>A]ATCTTGGTGTGGCGCTTCCTCTCATCACTCCGGGCAAACTTTCGGCCACAGTAGTCACAG-3'
Protein context (NP_000390.2, residues 409-429): RSDERKRHTK[Ile419=]HLRQKERKSS

ClinVar aggregate classification (germline): Likely benign (1 of 4 stars; one submission).

Conditions:
EGR2-related disorder. Also called: EGR2-related condition.

gnomAD v4.1: 21 of 1,611,026 alleles (0.0013%); highest among the groups gnomAD compares: Non-Finnish European, 0.0013%; no homozygotes.

Submission:

PreventionGenetics, part of Exact Sciences
Classification: Likely benign for EGR2-related condition. Last evaluated: 2026-06-03. Review status: criteria provided, single submitter. Criteria: ACMG Guidelines, 2015. Collection method: clinical testing. Allele origin: germline.
Comment: This variant is classified as likely benign based on ACMG/AMP sequence variant interpretation guidelines (Richards et al. 2015 PMID: 25741868, with internal and published modifications).